The following is an entry in ClinVar:

NM_000465.4(BARD1):c.12T>G (p.Asn4Lys)

Gene: BARD1 (BRCA1 associated RING domain 1; minus strand). Cytogenetic location: 2q35.
Variant type: single nucleotide variant.
Coding change: c.12T>G on transcript NM_000465.4 (MANE Select); coding-DNA position 12, T replaced by G.
Protein change: p.Asn4Lys; replaces asparagine 4 with lysine.
Molecular consequence: missense variant. On other transcripts: non-coding transcript variant (3).
Genome position (GRCh38, 1-based): chr2:214,809,558, A>C on the plus strand (T>G on the coding strand, the complement: BARD1 is on the minus strand). VCF-style: chr2-214809558-A-C. GRCh37 (hg19) VCF-style: chr2-215674282-A-C.
Other names: c.12T>G, p.Asn4Lys (NM_001282543.2, NM_001282545.2, NM_001282548.2 and 1 more transcripts); short protein forms N4K.
Identifiers: ClinVar variation 1718108 (VCV001718108.5), dbSNP rs1289598310, ClinGen allele CA350465479.

ClinVar aggregate classification (germline): Uncertain significance (1 of 4 stars; one submission).

Conditions:
Familial cancer of breast. Also called: BREAST CANCER, FAMILIAL; hereditary breast carcinoma; Hereditary breast cancer. Identifiers: Orphanet 227535, MedGen C0346153, MONDO:0016419, OMIM 114480. Disease mechanism: loss of function.

Submission:

Labcorp Genetics (formerly Invitae), Labcorp
Classification: Uncertain significance for Familial cancer of breast. Last evaluated: 2022-08-27. Review status: criteria provided, single submitter. Criteria: Invitae Variant Classification Sherloc (09022015). Collection method: clinical testing. Allele origin: germline.
Comment: This variant is not present in population databases (gnomAD no frequency). This variant has not been reported in the literature in individuals affected with BARD1-related conditions. Algorithms developed to predict the effect of missense changes on protein structure and function (SIFT, PolyPhen-2, Align-GVGD) all suggest that this variant is likely to be tolerated. In summary, the available evidence is currently insufficient to determine the role of this variant in disease. Therefore, it has been classified as a Variant of Uncertain Significance. This sequence change replaces asparagine, which is neutral and polar, with lysine, which is basic and polar, at codon 4 of the BARD1 protein (p.Asn4Lys).